The following is an entry in ClinVar:

ClinVar aggregate classification (germline): Uncertain significance (1 of 4 stars; one submission).

Conditions:
Fanconi anemia (FA). Also called: Fanconi's anemia. Identifiers: Orphanet 84, MedGen C0015625, MeSH D005199, MONDO:0019391.

gnomAD v4.1: 1 of 1,613,822 alleles (0.000062%); no homozygotes.

Submission:

Labcorp Genetics (formerly Invitae), Labcorp
Classification: Uncertain significance for Fanconi anemia. Last evaluated: 2025-05-05. Review status: criteria provided, single submitter. Criteria: Invitae Variant Classification Sherloc (09022015). Collection method: clinical testing. Allele origin: germline.
Comment: This sequence change replaces arginine, which is basic and polar, with threonine, which is neutral and polar, at codon 451 of the FANCI protein (p.Arg451Thr). This variant is not present in population databases (gnomAD no frequency). This variant has not been reported in the literature in individuals affected with FANCI-related conditions. ClinVar contains an entry for this variant (Variation ID: 1960005). Invitae Evidence Modeling of protein sequence and biophysical properties (such as structural, functional, and spatial information, amino acid conservation, physicochemical variation, residue mobility, and thermodynamic stability) has been performed for this missense variant. However, the output from this modeling did not meet the statistical confidence thresholds required to predict the impact of this variant on FANCI protein function. In summary, the available evidence is currently insufficient to determine the role of this variant in disease. Therefore, it has been classified as a Variant of Uncertain Significance.

NM_001113378.2(FANCI):c.1352G>C (p.Arg451Thr)

Gene: FANCI (FA complementation group I; plus strand). Cytogenetic location: 15q26.1.
Variant type: single nucleotide variant.
Coding change: c.1352G>C on transcript NM_001113378.2 (MANE Select); coding-DNA position 1352, G replaced by C.
Protein change: p.Arg451Thr; replaces arginine 451 with threonine.
Molecular consequence: missense variant.
Genome position (GRCh38, 1-based): chr15:89,278,745, G>C. VCF-style: chr15-89278745-G-C. GRCh37 (hg19) VCF-style: chr15-89821976-G-C.
Other names: c.1073G>C, p.Arg358Thr (NM_001376910.1); c.1352G>C, p.Arg451Thr (NM_001376911.1, NM_018193.3); short protein forms R358T, R451T.
Identifiers: ClinVar variation 1960005 (VCV001960005.3), dbSNP rs2506597220, ClinGen allele CA393743289.